The following is an entry in ClinVar:

NM_001145358.2(SIN3A):c.1445A>G (p.Asn482Ser)

Gene: SIN3A (SIN3 transcription regulator family member A; minus strand). Cytogenetic location: 15q24.2.
Variant type: single nucleotide variant.
Coding change: c.1445A>G on transcript NM_001145358.2 (MANE Select); coding-DNA position 1445, A replaced by G.
Protein change: p.Asn482Ser; replaces asparagine 482 with serine.
Molecular consequence: missense variant.
Genome position (GRCh38, 1-based): chr15:75,401,933, T>C on the plus strand (A>G on the coding strand, the complement: SIN3A is on the minus strand). VCF-style: chr15-75401933-T-C. GRCh37 (hg19) VCF-style: chr15-75694274-T-C.
Other names: c.1445A>G, p.Asn482Ser (NM_001145357.2, NM_015477.3); short protein forms N482S.
Identifiers: ClinVar variation 1700769 (VCV001700769.3), dbSNP rs2141457967, ClinGen allele CA393499196.

ClinVar aggregate classification (germline): Uncertain significance (1 of 4 stars; one submission).

Submission:

GeneDx
Classification: Uncertain significance. Last evaluated: 2025-05-01. Review status: criteria provided, single submitter. Criteria: GeneDx Variant Classification Process June 2021. Collection method: clinical testing. Allele origin: germline. Affected: yes.
Comment: Not observed at significant frequency in large population cohorts (gnomAD); In silico analysis supports that this missense variant has a deleterious effect on protein structure/function; Has not been previously published as pathogenic or benign to our knowledge